The following is an entry in ClinVar:

NM_001365310.2(PERCC1):c.348C>G (p.Tyr116Ter)

Gene: PERCC1 (proline and glutamate rich with coiled coil 1; plus strand). Cytogenetic location: 16p13.3.
Variant type: single nucleotide variant.
Coding change: c.348C>G on transcript NM_001365310.2 (MANE Select); coding-DNA position 348, C replaced by G.
Protein change: p.Tyr116Ter; replaces tyrosine 116 with a stop codon.
Molecular consequence: nonsense.
Genome position (GRCh38, 1-based): chr16:1,432,941, C>G. VCF-style: chr16-1432941-C-G. GRCh37 (hg19) VCF-style: chr16-1482942-C-G.
Other names: p.Y116*; short protein forms Y116*.
Identifiers: ClinVar variation 2582632 (VCV002582632.2), dbSNP rs1447499380, ClinGen allele CA2582342630.

ClinVar aggregate classification (germline): Likely pathogenic. Review status: criteria provided, multiple submitters, no conflicts (2 of 4 stars). 2 submissions from 2 submitters: Likely pathogenic (2). Last evaluated 2025-08-19.

Conditions:
Diarrhea 11, malabsorptive, congenital. Also called: INTRACTABLE DIARRHEA OF INFANCY SYNDROME. Identifiers: MedGen C5231449, MONDO:0032857, OMIM 618662.

Submissions (2):

Undiagnosed Diseases Network, NIH
Classification: Likely pathogenic for Diarrhea 11, malabsorptive, congenital. Last evaluated: 2025-08-19. Review status: criteria provided, single submitter. Criteria: ACMG Guidelines, 2015. Collection method: clinical testing. Allele origin: maternal. Affected: yes. Observed: 1 variant allele, 1 homozygote. Study: Undiagnosed Diseases Network (NIH), UDN.
Comment: Homozygous likely pathogenic variant in PERCC1 detected.

Baylor Genetics
Classification: Likely pathogenic for Diarrhea 11, malabsorptive, congenital. Last evaluated: 2023-08-17. Review status: criteria provided, single submitter. Criteria: ACMG Guidelines, 2015. Collection method: clinical testing. Allele origin: unknown.